The following is an entry in ClinVar:

NM_000124.4(ERCC6):c.909G>T (p.Thr303=)

Gene: ERCC6 (ERCC excision repair 6, chromatin remodeling factor; minus strand). Cytogenetic location: 10q11.23.
Variant type: single nucleotide variant.
Coding change: c.909G>T on transcript NM_000124.4 (MANE Select); coding-DNA position 909, G replaced by T.
Protein change: p.Thr303=; no amino-acid change (threonine 303 retained).
Molecular consequence: synonymous variant.
Genome position (GRCh38, 1-based): chr10:49,524,521, C>A on the plus strand (G>T on the coding strand, the complement: ERCC6 is on the minus strand). VCF-style: chr10-49524521-C-A. GRCh37 (hg19) VCF-style: chr10-50732567-C-A.
Other names: c.909G>T, p.Thr303= (NM_001277058.2, NM_001277059.2, NM_001346440.2); c.909G>T (NM_000124.3).
Identifiers: ClinVar variation 1135130 (VCV001135130.9), dbSNP rs371906160, ClinGen allele CA5496415.

ClinVar aggregate classification (germline): Likely benign. Review status: criteria provided, single submitter (1 of 4 stars). 2 submissions from 2 submitters: Likely benign (1). 1 of the submissions does not count toward it. Last evaluated 2025-12-25.

Conditions:
ERCC6-related disorder. Also called: ERCC6-related disorders; ERCC6-related condition. Identifiers: MedGen CN239385.

Allele frequency attached by ClinVar (database versions not stated): ExAC 0.00008; ESP Exome Variant Server 0.00008; gnomAD 0.00014; TOPMed 0.00023; 1000 Genomes Project 30x 0.00031; 1000 Genomes Project 0.00040.
gnomAD v4.1: 47 of 1,614,158 alleles (0.0029%); highest among the groups gnomAD compares: African/African-American, 0.06%; no homozygotes.

Submissions (2):

Labcorp Genetics (formerly Invitae), Labcorp
Classification: Likely benign. Last evaluated: 2025-12-25. Review status: criteria provided, single submitter. Criteria: Invitae Variant Classification Sherloc (09022015). Collection method: clinical testing. Allele origin: germline.

PreventionGenetics, part of Exact Sciences
Classification: Likely benign for ERCC6-related condition. Last evaluated: 2021-09-01. Review status: no assertion criteria provided. Collection method: clinical testing. Allele origin: germline. Not counted in ClinVar's aggregate classification.
Comment: This variant is classified as likely benign based on ACMG/AMP sequence variant interpretation guidelines (Richards et al. 2015 PMID: 25741868, with internal and published modifications).